The following is an entry in ClinVar:

ClinVar aggregate classification (germline): Uncertain significance. Review status: criteria provided, multiple submitters, no conflicts (2 of 4 stars). 2 submissions from 2 submitters: Uncertain significance (2). Last evaluated 2026-01-18.

Allele frequency attached by ClinVar (database versions not stated): ExAC 0.00004; gnomAD exomes 0.00004; TOPMed 0.00004; gnomAD 0.00005 and 0.00006.
gnomAD v4.1: 71 of 1,613,790 alleles (0.0044%); highest among the groups gnomAD compares: Non-Finnish European, 0.0057%; no homozygotes.

Submissions (2):

Labcorp Genetics (formerly Invitae), Labcorp
Classification: Uncertain significance. Last evaluated: 2026-01-18. Review status: criteria provided, single submitter. Criteria: Invitae Variant Classification Sherloc (09022015). Collection method: clinical testing. Allele origin: germline.
Comment: This sequence change replaces serine, which is neutral and polar, with phenylalanine, which is neutral and non-polar, at codon 107 of the NLRP1 protein (p.Ser107Phe). This variant is present in population databases (rs200126507, gnomAD 0.008%). This variant has not been reported in the literature in individuals affected with NLRP1-related conditions. ClinVar contains an entry for this variant (Variation ID: 1437122). An algorithm developed to predict the effect of missense changes on protein structure and function outputs the following: PolyPhen-2: "Benign". The phenylalanine amino acid residue is found in multiple mammalian species, which suggests that this missense change does not adversely affect protein function. In summary, the available evidence is currently insufficient to determine the role of this variant in disease. Therefore, it has been classified as a Variant of Uncertain Significance.

Blueprint Genetics
Classification: Uncertain significance. Last evaluated: 2023-09-27. Review status: criteria provided, single submitter. Criteria: ACMG Guidelines, 2015. Collection method: clinical testing. Allele origin: germline.

NM_033004.4(NLRP1):c.320C>T (p.Ser107Phe)

Gene: NLRP1 (NLR family pyrin domain containing 1; minus strand). Cytogenetic location: 17p13.2.
Variant type: single nucleotide variant.
Coding change: c.320C>T on transcript NM_033004.4 (MANE Select); coding-DNA position 320, C replaced by T.
Protein change: p.Ser107Phe; replaces serine 107 with phenylalanine.
Molecular consequence: missense variant.
Genome position (GRCh38, 1-based): chr17:5,582,798, G>A on the plus strand (C>T on the coding strand, the complement: NLRP1 is on the minus strand). VCF-style: chr17-5582798-G-A. GRCh37 (hg19) VCF-style: chr17-5486118-G-A.
Other names: c.320C>T, p.Ser107Phe (NM_001033053.3, NM_014922.5, NM_033006.4 and 1 more transcripts); short protein forms S107F.
Identifiers: ClinVar variation 1437122 (VCV001437122.9), dbSNP rs200126507, ClinGen allele CA8327603.